The following is an entry in ClinVar:

ClinVar aggregate classification (germline): Conflicting classifications of pathogenicity. Review status: criteria provided, conflicting classifications (1 of 4 stars). 4 submissions from 4 submitters: Uncertain significance (2); Benign (1). 1 of the submissions does not count toward it. Last evaluated 2025-06-17.

Conditions:
PTH1R-related disorder. Also called: PTH1R-related condition.
Metaphyseal chondrodysplasia, Jansen type. Also called: Metaphyseal chondrodysplasia Murk Jansen type; PTH1R-Related Jansen Metaphyseal Chondrodysplasia. Identifiers: Orphanet 33067, MedGen C0265295, MONDO:0007982, OMIM 156400.
Eiken syndrome (EKNS). Also called: BONE MODELING DEFECT OF HANDS AND FEET. Identifiers: Orphanet 79106, MedGen C1838779, MONDO:0010803, OMIM 600002.
Primary failure of tooth eruption. Also called: DENTAL NONERUPTION; PRIMARY RETENTION OF TEETH; POSTERIOR OPENBITE MALOCCLUSION, FAMILIAL; UNERUPTED SECOND PRIMARY MOLAR. Identifiers: Orphanet 412206, MedGen C1852222, MONDO:0007434, OMIM 125350.
Chondrodysplasia Blomstrand type (BOCD). Identifiers: Orphanet 50945, MedGen C1859148, MONDO:0008970, OMIM 215045.

Submissions (4):

Labcorp Genetics (formerly Invitae), Labcorp
Classification: Benign. Last evaluated: 2025-06-17. Review status: criteria provided, single submitter. Criteria: Invitae Variant Classification Sherloc (09022015). Collection method: clinical testing. Allele origin: germline.

Fulgent Genetics
Classification: Uncertain significance for Primary failure of tooth eruption; Metaphyseal chondrodysplasia, Jansen type; Chondrodysplasia Blomstrand type; Eiken syndrome. Last evaluated: 2024-03-11. Review status: criteria provided, single submitter. Criteria: ACMG Guidelines, 2015. Collection method: clinical testing. Allele origin: germline.

Department of Pathology and Laboratory Medicine, Sinai Health System
Classification: Uncertain significance for Metaphyseal chondrodysplasia, Jansen type; Eiken syndrome. Last evaluated: 2021-09-10. Review status: criteria provided, single submitter. Criteria: ACMG Guidelines, 2015. Collection method: research. Allele origin: germline.

PreventionGenetics, part of Exact Sciences
Classification: Likely benign for PTH1R-related condition. Last evaluated: 2019-09-19. Review status: no assertion criteria provided. Collection method: clinical testing. Allele origin: germline. Not counted in ClinVar's aggregate classification.
Comment: This variant is classified as likely benign based on ACMG/AMP sequence variant interpretation guidelines (Richards et al. 2015 PMID: 25741868, with internal and published modifications).

NM_000316.3(PTH1R):c.1050-3dup

Gene: PTH1R (parathyroid hormone 1 receptor; plus strand). Cytogenetic location: 3p21.31.
Variant type: Duplication.
Coding change: c.1050-3dup on transcript NM_000316.3 (MANE Select); 3 bases into the intron before coding-DNA position 1050, one base duplicated (C; older notation c.1050-3dupC).
Molecular consequence: intron variant.
Genome position (GRCh38, 1-based): chr3:46,901,411, C duplicated; the last of 5 consecutive C bases (chr3:46,901,407-46,901,411); duplicating any one gives the same sequence. VCF-style (leftmost placement, unchanged base first): chr3-46901406-T-TC. GRCh37 (hg19) VCF-style: chr3-46942896-T-TC.
Other names: c.1050-3dup (NM_001184744.1).
Identifiers: ClinVar variation 345592 (VCV000345592.13), dbSNP rs754628395, ClinGen allele CA2359396.